The following is an entry in ClinVar:

ClinVar aggregate classification (germline): Uncertain significance (1 of 4 stars; one submission).

Submission:

GeneDx
Classification: Uncertain significance. Last evaluated: 2024-10-23. Review status: criteria provided, single submitter. Criteria: GeneDx Variant Classification Process June 2021. Collection method: clinical testing. Allele origin: germline. Affected: yes.
Comment: Not observed at significant frequency in large population cohorts (gnomAD); In silico analysis supports that this missense variant has a deleterious effect on protein structure/function; Has not been previously published as pathogenic or benign to our knowledge

NM_015488.5(PNKD):c.653G>T (p.Arg218Leu)

Genes: PNKD (PNKD metallo-beta-lactamase domain containing; plus strand), CATIP-AS2 (CATIP antisense RNA 2; minus strand). Cytogenetic location: 2q35.
Variant type: single nucleotide variant.
Coding change: c.653G>T on transcript NM_015488.5 (MANE Select); coding-DNA position 653, G replaced by T.
Protein change: p.Arg218Leu; replaces arginine 218 with leucine.
Molecular consequence: missense variant.
Genome position (GRCh38, 1-based): chr2:218,342,016, G>T. VCF-style: chr2-218342016-G-T. GRCh37 (hg19) VCF-style: chr2-219206739-G-T.
Other names: c.581G>T, p.Arg194Leu (NM_022572.5); short protein forms R194L, R218L.
Identifiers: ClinVar variation 3893448 (VCV003893448.1).